The following is an entry in ClinVar:

NM_015570.4(AUTS2):c.2087_2088dup (p.Gly697fs)

Gene: AUTS2 (activator of transcription and developmental regulator AUTS2; plus strand). Cytogenetic location: 7q11.22.
Variant type: Duplication.
Coding change: c.2087_2088dup on transcript NM_015570.4 (MANE Select); coding-DNA positions 2087 to 2088, 2 bases duplicated (TT; older notation c.2087_2088dupTT).
Protein change: p.Gly697fs; shifts the reading frame from glycine 697.
Molecular consequence: frameshift variant.
Genome position (GRCh38, 1-based): chr7:70,781,697-70,781,698, TT duplicated; duplicating any 2 consecutive bases within chr7:70,781,694-70,781,698 gives the same sequence; the c. name uses the placement nearest the transcript's 3' end. VCF-style (leftmost placement, unchanged base first): chr7-70781693-C-CTT. GRCh37 (hg19) VCF-style: chr7-70246679-C-CTT.
Other names: c.2015_2016dup, p.Gly673fs (NM_001127231.3); short protein forms G673fs, G697fs.
Identifiers: ClinVar variation 2028187 (VCV002028187.4), dbSNP rs2484862044, ClinGen allele CA2580077335.

ClinVar aggregate classification (germline): Pathogenic (1 of 4 stars; one submission).

Submission:

Labcorp Genetics (formerly Invitae), Labcorp
Classification: Pathogenic. Last evaluated: 2022-08-31. Review status: criteria provided, single submitter. Criteria: Invitae Variant Classification Sherloc (09022015). Collection method: clinical testing. Allele origin: germline.
Comment: For these reasons, this variant has been classified as Pathogenic. Algorithms developed to predict the effect of sequence changes on RNA splicing suggest that this variant may disrupt the consensus splice site. This variant has not been reported in the literature in individuals affected with AUTS2-related conditions. This variant is not present in population databases (gnomAD no frequency). This sequence change creates a premature translational stop signal (p.Gly697Leufs*46) in the AUTS2 gene. It is expected to result in an absent or disrupted protein product. Loss-of-function variants in AUTS2 are known to be pathogenic (PMID: 25205402, 27075013).

Literature cited by the submitters: PubMed 25205402; PubMed 27075013.